The following is an entry in ClinVar:

ClinVar aggregate classification (germline): Conflicting classifications of pathogenicity. Review status: criteria provided, conflicting classifications (1 of 4 stars). 2 submissions from 2 submitters: Uncertain significance (1); Likely benign (1). Last evaluated 2026-03-19.

Conditions:
Gorlin syndrome. Also called: Basal cell nevus syndrome; Nevoid Basal Cell Carcinoma Syndrome. Identifiers: Orphanet 377, MedGen C0004779, MONDO:0007187.
Hereditary cancer-predisposing syndrome. Also called: Tumor predisposition; Hereditary Cancer Syndrome; Neoplastic Syndromes, Hereditary; Hereditary neoplastic syndrome. Identifiers: Orphanet 140162, MedGen C0027672, MeSH D009386, MONDO:0015356.

Allele frequency attached by ClinVar (database versions not stated): TOPMed 0.00001; gnomAD exomes 0.00001 and 0.00002; gnomAD 0.00001.
gnomAD v4.1: 24 of 1,614,018 alleles (0.0015%); highest among the groups gnomAD compares: Non-Finnish European, 0.002%; no homozygotes.

Submissions (2):

Ambry Genetics
Classification: Uncertain significance for Hereditary cancer-predisposing syndrome. Last evaluated: 2026-03-19. Review status: criteria provided, single submitter. Criteria: Ambry Variant Classification Scheme 2023. Collection method: clinical testing. Allele origin: germline.
Comment: The p.P1050L variant (also known as c.3149C>T), located in coding exon 18 of the PTCH1 gene, results from a C to T substitution at nucleotide position 3149. The proline at codon 1050 is replaced by leucine, an amino acid with similar properties. This variant was detected in multiple individuals with no reported features of PTCH1-related nevoid basal cell carcinoma syndrome (Ambry internal data). This amino acid position is highly conserved in available vertebrate species. In addition, this alteration is predicted to be deleterious by in silico analysis. Based on the available evidence, the clinical significance of this variant remains unclear.

Labcorp Genetics (formerly Invitae), Labcorp
Classification: Likely benign for Gorlin syndrome. Last evaluated: 2025-11-17. Review status: criteria provided, single submitter. Criteria: Invitae Variant Classification Sherloc (09022015). Collection method: clinical testing. Allele origin: germline.

NM_000264.5(PTCH1):c.3149C>T (p.Pro1050Leu)

Gene: PTCH1 (patched 1; minus strand). Cytogenetic location: 9q22.32.
Variant type: single nucleotide variant.
Coding change: c.3149C>T on transcript NM_000264.5 (MANE Select); coding-DNA position 3149, C replaced by T.
Protein change: p.Pro1050Leu; replaces proline 1050 with leucine.
Molecular consequence: missense variant. On other transcripts: non-coding transcript variant (1).
Genome position (GRCh38, 1-based): chr9:95,458,032, G>A on the plus strand (C>T on the coding strand, the complement: PTCH1 is on the minus strand). VCF-style: chr9-95458032-G-A. GRCh37 (hg19) VCF-style: chr9-98220314-G-A.
Other names: c.2951C>T, p.Pro984Leu (NM_001083602.3); c.3146C>T, p.Pro1049Leu (NM_001083603.3); c.2696C>T, p.Pro899Leu (NM_001083604.3, NM_001083605.3, NM_001083606.3 and 1 more transcripts); c.2993C>T, p.Pro998Leu (NM_001354918.2); short protein forms P1050L, P984L, P899L, P1049L, P998L.
Identifiers: ClinVar variation 573312 (VCV000573312.16), dbSNP rs1420175816, ClinGen allele CA374112284.
Genomic context (GRCh38, chr9:95,458,032, plus strand): 5'-AAGGAATTTGACTTCCACAAAGCCCCTTATAATACACTCACAATGATCCCGGCCGTCCAG[G>A]GGTTCAGAAGGAAGACAGCGCACACGAGGAATGTGCAGGCCAACACCACGCTGATGAACA-3'
Protein context (NP_000255.2, residues 1040-1060): FLVCAVFLLN[Pro1050Leu]WTAGIIVMVL